The following is an entry in ClinVar:

ClinVar aggregate classification (germline): Uncertain significance (1 of 4 stars; one submission).

Allele frequency attached by ClinVar (database versions not stated): gnomAD 0.00001; TOPMed below 0.00001.
gnomAD v4.1: 2 of 1,550,686 alleles (0.00013%); highest among the groups gnomAD compares: African/African-American, 0.0027%; no homozygotes.

Submission:

Labcorp Genetics (formerly Invitae), Labcorp
Classification: Uncertain significance. Last evaluated: 2025-11-27. Review status: criteria provided, single submitter. Criteria: Invitae Variant Classification Sherloc (09022015). Collection method: clinical testing. Allele origin: germline.
Comment: This sequence change replaces isoleucine, which is neutral and non-polar, with leucine, which is neutral and non-polar, at codon 7 of the FBLN5 protein (p.Ile7Leu). This variant is present in population databases (no rsID available, gnomAD 0.01%). This variant has not been reported in the literature in individuals affected with FBLN5-related conditions. ClinVar contains an entry for this variant (Variation ID: 2989695). An algorithm developed to predict the effect of missense changes on protein structure and function outputs the following: PolyPhen-2: "Benign". The leucine amino acid residue is found in multiple mammalian species, which suggests that this missense change does not adversely affect protein function. In summary, the available evidence is currently insufficient to determine the role of this variant in disease. Therefore, it has been classified as a Variant of Uncertain Significance.

NM_006329.4(FBLN5):c.19A>T (p.Ile7Leu)

Gene: FBLN5 (fibulin 5; minus strand). Cytogenetic location: 14q32.12.
Variant type: single nucleotide variant.
Coding change: c.19A>T on transcript NM_006329.4 (MANE Select); coding-DNA position 19, A replaced by T.
Protein change: p.Ile7Leu; replaces isoleucine 7 with leucine.
Molecular consequence: missense variant. On other transcripts: 5 prime UTR variant (2).
Genome position (GRCh38, 1-based): chr14:91,942,960, T>A on the plus strand (A>T on the coding strand, the complement: FBLN5 is on the minus strand). VCF-style: chr14-91942960-T-A. GRCh37 (hg19) VCF-style: chr14-92409304-T-A.
Other names: c.19A>T, p.Ile7Leu (NM_001384158.1, NM_001384160.1); c.70A>T, p.Ile24Leu (NM_001384159.1); c.-251A>T (NM_001384161.1, NM_001384162.1); short protein forms I7L, I24L.
Identifiers: ClinVar variation 2989695 (VCV002989695.3), dbSNP rs1404600663, ClinGen allele CA390641518.